The following is an entry in ClinVar:

ClinVar aggregate classification (germline): Likely benign (1 of 4 stars; one submission).

Allele frequency attached by ClinVar (database versions not stated): 1000 Genomes Project 30x 0.02342; 1000 Genomes Project 0.02436.
gnomAD v4.1: 13,943 of 538,170 alleles (2.6%); highest among the groups gnomAD compares: East Asian, 11%; 374 homozygotes.

Submission:

GeneDx
Classification: Likely benign. Last evaluated: 2020-03-06. Review status: criteria provided, single submitter. Criteria: GeneDx Variant Classification Process June 2021. Collection method: clinical testing. Allele origin: germline. Affected: yes.
Comment: See Variant Classification Assertion Criteria.

NM_001371533.1(FUT8):c.-217G>A

Gene: FUT8 (fucosyltransferase 8; plus strand). Cytogenetic location: 14q23.3.
Variant type: single nucleotide variant.
Coding change: c.-217G>A on transcript NM_001371533.1 (MANE Select); 217 bases upstream of the start codon, G replaced by A.
Molecular consequence: 5 prime UTR variant. On other transcripts: non-coding transcript variant (1), intron variant (1).
Genome position (GRCh38, 1-based): chr14:65,561,347, G>A. VCF-style: chr14-65561347-G-A. GRCh37 (hg19) VCF-style: chr14-66028065-G-A.
Other names: c.-217G>A (NM_001371534.1, NM_001371536.1, NM_178155.3 and 1 more transcripts); c.-286-54631G>A (NM_004480.4).
Identifiers: ClinVar variation 1706869 (VCV001706869.2), dbSNP rs45549535, ClinGen allele CA262769385.
Genomic context (GRCh38, chr14:65,561,347, plus strand): 5'-TATTTTATATACCTTAAATAATTTAAATACATTTCTTACTCTTTCCACAGCATGTAGAGC[G>A]CATGAAGTACAGGACAATAAAGCTTCCTACACATATCACCAGGAGGATCTCTTTGAAAGA-3'